The following is an entry in ClinVar:

ClinVar aggregate classification (germline): Uncertain significance (1 of 4 stars; one submission).

Conditions:
Spastic paraplegia. Identifiers: MedGen C0037772, HP:0001258.

Submission:

Labcorp Genetics (formerly Invitae), Labcorp
Classification: Uncertain significance for Spastic paraplegia. Last evaluated: 2025-07-01. Review status: criteria provided, single submitter. Criteria: Invitae Variant Classification Sherloc (09022015). Collection method: clinical testing. Allele origin: germline.
Comment: This sequence change replaces alanine, which is neutral and non-polar, with valine, which is neutral and non-polar, at codon 134 of the AP4S1 protein (p.Ala134Val). This variant is not present in population databases (gnomAD no frequency). This variant has not been reported in the literature in individuals affected with AP4S1-related conditions. An algorithm developed to predict the effect of missense changes on protein structure and function outputs the following: PolyPhen-2: "Benign". The valine amino acid residue is found in multiple mammalian species, which suggests that this missense change does not adversely affect protein function. In summary, the available evidence is currently insufficient to determine the role of this variant in disease. Therefore, it has been classified as a Variant of Uncertain Significance.

NM_001128126.3(AP4S1):c.306+4219C>T

Gene: AP4S1 (adaptor related protein complex 4 subunit sigma 1; plus strand). Cytogenetic location: 14q12.
Variant type: single nucleotide variant.
Coding change: c.306+4219C>T on transcript NM_001128126.3 (MANE Select); 4219 bases into the intron after coding-DNA position 306, C replaced by T.
Molecular consequence: intron variant. On other transcripts: missense variant (2), 3 prime UTR variant (1).
Genome position (GRCh38, 1-based): chr14:31,084,803, C>T. VCF-style: chr14-31084803-C-T. GRCh37 (hg19) VCF-style: chr14-31554009-C-T.
Other names: c.329C>T, p.Ala110Val (NM_001254726.2); c.*73C>T (NM_001254727.2); c.401C>T, p.Ala134Val (NM_007077.5); c.306+4219C>T (NM_001254729.2, NM_001254728.2); short protein forms A110V, A134V.
Identifiers: ClinVar variation 4694114 (VCV004694114.1).